The following is an entry in ClinVar:

ClinVar aggregate classification (germline): Uncertain significance (1 of 4 stars; one submission).

Conditions:
Glucose-6-phosphate transport defect (GSD1B). Also called: Glycogen Storage Disease Type Ib; GSD Ib. Identifiers: Orphanet 364, Orphanet 79259, MedGen C0268146, MONDO:0009288, OMIM 232220.

Submission:

Labcorp Genetics (formerly Invitae), Labcorp
Classification: Uncertain significance for Glucose-6-phosphate transport defect. Last evaluated: 2025-11-11. Review status: criteria provided, single submitter. Criteria: Invitae Variant Classification Sherloc (09022015). Collection method: clinical testing. Allele origin: germline.
Comment: This sequence change replaces serine, which is neutral and polar, with cysteine, which is neutral and slightly polar, at codon 172 of the SLC37A4 protein (p.Ser172Cys). This variant is present in population databases (rs750732128, gnomAD 0.004%). This variant has not been reported in the literature in individuals affected with SLC37A4-related conditions. Invitae Evidence Modeling of protein sequence and biophysical properties (such as structural, functional, and spatial information, amino acid conservation, physicochemical variation, residue mobility, and thermodynamic stability) indicates that this missense variant is not expected to disrupt SLC37A4 protein function with a negative predictive value of 80%. In summary, the available evidence is currently insufficient to determine the role of this variant in disease. Therefore, it has been classified as a Variant of Uncertain Significance.

NM_001164277.2(SLC37A4):c.515C>G (p.Ser172Cys)

Gene: SLC37A4 (solute carrier family 37 member 4; minus strand). Cytogenetic location: 11q23.3.
Variant type: single nucleotide variant.
Coding change: c.515C>G on transcript NM_001164277.2 (MANE Select); coding-DNA position 515, C replaced by G.
Protein change: p.Ser172Cys; replaces serine 172 with cysteine.
Molecular consequence: missense variant.
Genome position (GRCh38, 1-based): chr11:119,027,739, G>C on the plus strand (C>G on the coding strand, the complement: SLC37A4 is on the minus strand). VCF-style: chr11-119027739-G-C. GRCh37 (hg19) VCF-style: chr11-118898449-G-C.
Other names: c.515C>G, p.Ser172Cys (NM_001164278.2, NM_001164280.2, NM_001467.6); c.296C>G, p.Ser99Cys (NM_001164279.2); short protein forms S99C, S172C.
Identifiers: ClinVar variation 4698904 (VCV004698904.1).